The following is an entry in ClinVar:

NM_001283009.2(RTEL1):c.372C>T (p.Asn124=)

Genes: RTEL1 (regulator of telomere elongation helicase 1; plus strand), RTEL1-TNFRSF6B (RTEL1-TNFRSF6B readthrough (NMD candidate); plus strand). Cytogenetic location: 20q13.33.
Variant type: single nucleotide variant.
Coding change: c.372C>T on transcript NM_001283009.2 (MANE Select); coding-DNA position 372, C replaced by T.
Protein change: p.Asn124=; no amino-acid change (asparagine 124 retained).
Molecular consequence: synonymous variant. On other transcripts: non-coding transcript variant (1), 5 prime UTR variant (1).
Genome position (GRCh38, 1-based): chr20:63,661,920, C>T. VCF-style: chr20-63661920-C-T. GRCh37 (hg19) VCF-style: chr20-62293273-C-T.
Other names: c.372C>T (NM_032957.4); c.-298C>T (NM_001283010.1); c.372C>T, p.Asn124= (NM_016434.4, NM_032957.5).
Identifiers: ClinVar variation 736902 (VCV000736902.42), dbSNP rs61736622, ClinGen allele CA9964189.

ClinVar aggregate classification (germline): Benign/Likely benign. Review status: criteria provided, multiple submitters, no conflicts (2 of 4 stars). 6 submissions from 6 submitters: Benign (1); Likely benign (4). 1 of the submissions does not count toward it. Last evaluated 2026-01-21.

Conditions:
Dyskeratosis congenita. Identifiers: Orphanet 1775, MedGen C0265965, MONDO:0015780.
Inborn genetic diseases. Identifiers: MedGen C0950123, MeSH D030342.
Dyskeratosis congenita, autosomal recessive 5 (DKCB5). Identifiers: MedGen C3554656, MONDO:0014076, OMIM 615190.
Pulmonary fibrosis and/or bone marrow failure, Telomere-related, 3. Also called: PULMONARY FIBROSIS AND/OR BONE MARROW FAILURE SYNDROME, TELOMERE-RELATED, 3. Identifiers: Orphanet 2032, MedGen C4225346, MONDO:0014613, OMIM 616373.

Allele frequency attached by ClinVar (database versions not stated): gnomAD exomes 0.00021 and 0.00032; ESP Exome Variant Server 0.00031; gnomAD 0.00031 and 0.00032; TOPMed 0.00032; ExAC 0.00040.
gnomAD v4.1: 369 of 1,613,998 alleles (0.023%); highest among the groups gnomAD compares: Middle Eastern, 0.082%; 1 homozygote.

Submissions (6):

Labcorp Genetics (formerly Invitae), Labcorp
Classification: Benign for Dyskeratosis congenita, autosomal recessive 5; Pulmonary fibrosis and/or bone marrow failure, Telomere-related, 3. Last evaluated: 2026-01-21. Review status: criteria provided, single submitter. Criteria: Invitae Variant Classification Sherloc (09022015). Collection method: clinical testing. Allele origin: germline.

CeGaT Center for Human Genetics Tuebingen
Classification: Likely benign. Last evaluated: 2026-01-01. Review status: criteria provided, single submitter. Criteria: CeGaT Center For Human Genetics Tuebingen Variant Classification Criteria Version 2. Collection method: clinical testing. Allele origin: germline. Affected: yes. Observed: 2 variant alleles.
Comment: RTEL1: BP4, BP7

Blueprint Genetics
Classification: Likely benign. Last evaluated: 2024-10-17. Review status: criteria provided, single submitter. Criteria: ACMG Guidelines, 2015. Collection method: clinical testing. Allele origin: germline.

Ambry Genetics
Classification: Likely benign for Inborn genetic diseases. Last evaluated: 2023-02-16. Review status: criteria provided, single submitter. Criteria: Ambry Variant Classification Scheme 2023. Collection method: clinical testing. Allele origin: germline.

Genetic Services Laboratory, University of Chicago
Classification: Likely benign. Last evaluated: 2017-11-28. Review status: criteria provided, single submitter. Criteria: ACMG Guidelines, 2015. Collection method: clinical testing. Allele origin: germline. Affected: no.

Natera, Inc.
Classification: Likely benign for Dyskeratosis congenita. Last evaluated: 2019-10-23. Review status: no assertion criteria provided. Collection method: clinical testing. Allele origin: germline. Not counted in ClinVar's aggregate classification.